The following is an entry in ClinVar:

ClinVar aggregate classification (germline): Uncertain significance (1 of 4 stars; one submission).

Conditions:
Catecholaminergic polymorphic ventricular tachycardia 1. Also called: VENTRICULAR TACHYCARDIA, STRESS-INDUCED POLYMORPHIC 1; VENTRICULAR TACHYCARDIA, CATECHOLAMINERGIC POLYMORPHIC, 1, WITH OR WITHOUT ATRIAL DYSFUNCTION AND/OR DILATED CARDIOMYOPATHY; RYR2-Related Catecholaminergic Polymorphic Ventricular Tachycardia. Identifiers: Orphanet 3286, MedGen C1631597, MONDO:0011484, OMIM 604772.

Submission:

Labcorp Genetics (formerly Invitae), Labcorp
Classification: Uncertain significance for Catecholaminergic polymorphic ventricular tachycardia 1. Last evaluated: 2025-12-08. Review status: criteria provided, single submitter. Criteria: Invitae Variant Classification Sherloc (09022015). Collection method: clinical testing. Allele origin: germline.
Comment: This sequence change replaces leucine, which is neutral and non-polar, with phenylalanine, which is neutral and non-polar, at codon 4314 of the RYR2 protein (p.Leu4314Phe). This variant is not present in population databases (gnomAD no frequency). This variant has not been reported in the literature in individuals affected with RYR2-related conditions. ClinVar contains an entry for this variant (Variation ID: 3708009). Invitae Evidence Modeling of protein sequence and biophysical properties (such as structural, functional, and spatial information, amino acid conservation, physicochemical variation, residue mobility, and thermodynamic stability) indicates that this missense variant is not expected to disrupt RYR2 protein function with a negative predictive value of 95%. In summary, the available evidence is currently insufficient to determine the role of this variant in disease. Therefore, it has been classified as a Variant of Uncertain Significance.

NM_001035.3(RYR2):c.12940C>T (p.Leu4314Phe)

Genes: RYR2 (ryanodine receptor 2; plus strand), LOC126806068 (BRD4-independent group 4 enhancer GRCh37_chr1:237947411-237948610; plus strand). Cytogenetic location: 1q43.
Variant type: single nucleotide variant.
Coding change: c.12940C>T on transcript NM_001035.3 (MANE Select); coding-DNA position 12940, C replaced by T.
Protein change: p.Leu4314Phe; replaces leucine 4314 with phenylalanine.
Molecular consequence: missense variant.
Genome position (GRCh38, 1-based): chr1:237,784,652, C>T. VCF-style: chr1-237784652-C-T. GRCh37 (hg19) VCF-style: chr1-237947952-C-T.
Other names: short protein forms L4314F.
Identifiers: ClinVar variation 3708009 (VCV003708009.2).